The following is an entry in ClinVar:

ClinVar aggregate classification (germline): Uncertain significance (1 of 4 stars; one submission).

Conditions:
Neurofibromatosis, type 1 (NF1). Also called: Peripheral type neurofibromatosis; Neurofibromatosis, type I; NEUROFIBROMATOSIS, TYPE I, SOMATIC; VON RECKLINGHAUSEN DISEASE. Identifiers: Orphanet 636, MedGen C0027831, MONDO:0018975, OMIM 162200. Disease mechanism: loss of function.

Submission:

Labcorp Genetics (formerly Invitae), Labcorp
Classification: Uncertain significance for Neurofibromatosis, type 1. Last evaluated: 2021-12-02. Review status: criteria provided, single submitter. Criteria: Invitae Variant Classification Sherloc (09022015). Collection method: clinical testing. Allele origin: germline.
Comment: This sequence change replaces alanine, which is neutral and non-polar, with aspartic acid, which is acidic and polar, at codon 2014 of the NF1 protein (p.Ala2014Asp). This variant is not present in population databases (gnomAD no frequency). This variant has not been reported in the literature in individuals affected with NF1-related conditions. Advanced modeling of protein sequence and biophysical properties (such as structural, functional, and spatial information, amino acid conservation, physicochemical variation, residue mobility, and thermodynamic stability) performed at Invitae indicates that this missense variant is expected to disrupt NF1 protein function. In summary, the available evidence is currently insufficient to determine the role of this variant in disease. Therefore, it has been classified as a Variant of Uncertain Significance.

NM_001042492.3(NF1):c.6104C>A (p.Ala2035Asp)

Gene: NF1 (neurofibromin 1; plus strand). Cytogenetic location: 17q11.2.
Variant type: single nucleotide variant.
Coding change: c.6104C>A on transcript NM_001042492.3 (MANE Select); coding-DNA position 6104, C replaced by A.
Protein change: p.Ala2035Asp; replaces alanine 2035 with aspartic acid.
Molecular consequence: missense variant.
Genome position (GRCh38, 1-based): chr17:31,336,430, C>A. VCF-style: chr17-31336430-C-A. GRCh37 (hg19) VCF-style: chr17-29663448-C-A.
Other names: c.6041C>A, p.Ala2014Asp (NM_000267.4); short protein forms A2035D, A2014D.
Identifiers: ClinVar variation 1370896 (VCV001370896.6), dbSNP rs2151553465, ClinGen allele CA399011376.
Genomic context (GRCh38, chr17:31,336,430, plus strand): 5'-TCAAAACCAGTGCAACAGGTGGCTTGGGATCAATAAAAGCTGAGGTGATGGCAGATACTG[C>A]TGTAGCTTTGGCTTCTGGAAATGTGAAATTGGTTTCAAGCAAGGTAATCACTTTTCTTTT-3'
Protein context (NP_001035957.1, residues 2025-2045): SIKAEVMADT[Ala2035Asp]VALASGNVKL